The following is an entry in ClinVar:

ClinVar aggregate classification (germline): Pathogenic (1 of 4 stars; one submission).

Conditions:
Menkes kinky-hair syndrome (MNK). Also called: Copper transport disease; Classic Menkes Disease; Menkes Disease. Identifiers: Orphanet 565, MedGen C0022716, MONDO:0010651, OMIM 309400.

Submission:

3billion
Classification: Pathogenic for Menkes kinky-hair syndrome. Last evaluated: 2024-09-28. Review status: criteria provided, single submitter. Criteria: ACMG Guidelines, 2015. Collection method: clinical testing. Allele origin: germline. Affected: yes.
Comment: The variant is not observed in the gnomAD v4.1.0 dataset. Predicted Consequence/Location: Stop-gained (nonsense): predicted to result in a loss or disruption of normal protein function through nonsense-mediated decay (NMD) or protein truncation. Multiple pathogenic variants are reported downstream of the variant. The variant has been reported to be associated with ATP7A-related disorder (PMID: 32293788). Therefore, this variant is classified as Pathogenic according to the recommendation of ACMG/AMP guideline.

Literature cited by the submitters: PubMed 32293788.

NM_000052.7(ATP7A):c.1497C>A (p.Cys499Ter)

Gene: ATP7A (ATPase copper transporting alpha; plus strand). Cytogenetic location: Xq21.1.
Variant type: single nucleotide variant.
Coding change: c.1497C>A on transcript NM_000052.7 (MANE Select); coding-DNA position 1497, C replaced by A.
Protein change: p.Cys499Ter; replaces cysteine 499 with a stop codon.
Molecular consequence: nonsense.
Genome position (GRCh38, 1-based): chrX:77,998,638, C>A. VCF-style: chrX-77998638-C-A. GRCh37 (hg19) VCF-style: chrX-77254135-C-A.
Other names: c.1497C>A, p.Cys499Ter (NM_001282224.2); short protein forms C499*.
Identifiers: ClinVar variation 4293803 (VCV004293803.1).